The following is an entry in ClinVar:

NM_000152.5(GAA):c.2189+510T>G

Gene: GAA (alpha glucosidase; plus strand). Cytogenetic location: 17q25.3.
Variant type: single nucleotide variant.
Coding change: c.2189+510T>G on transcript NM_000152.5 (MANE Select); 510 bases into the intron after coding-DNA position 2189, T replaced by G.
Molecular consequence: intron variant.
Genome position (GRCh38, 1-based): chr17:80,113,876, T>G. VCF-style: chr17-80113876-T-G. GRCh37 (hg19) VCF-style: chr17-78087675-T-G.
Other names: c.2189+510T>G (NM_001406741.1, NM_001406742.1, NM_001079803.3 and 1 more transcripts).
Identifiers: ClinVar variation 4876363 (VCV004876363.1).

ClinVar aggregate classification (germline): Benign (1 of 4 stars; one submission).

Conditions:
Glycogen storage disease, type II (IOPD). Also called: Pompe Disease; CARDIOMEGALIA GLYCOGENICA DIFFUSA; GLYCOGENOSIS, GENERALIZED, CARDIAC FORM; GSD II; POMPE DISEASE, INFANTILE-ONSET; GLYCOGEN STORAGE DISEASE II, INFANTILE-ONSET. Identifiers: Orphanet 365, MedGen C0017921, MONDO:0009290, OMIM 232300.

gnomAD v4.1: 8,814 of 148,618 alleles (5.9%); highest among the groups gnomAD compares: South Asian, 16%; 513 homozygotes.

Submission:

Genomenon, Inc
Classification: Benign for Glycogen storage disease, type II. Last evaluated: 2026-07-01. Review status: criteria provided, single submitter. Criteria: Genomenon Sequence Variant Interpretation Standards - Updated. Collection method: curation. Allele origin: germline. Affected: no.
Comment: GAA c.2189+510T>G is an intronic variant located in intron 15. This variant is present at high allele frequency in population databases. We classify GAA c.2189+510T>G as a benign variant.